The following is an entry in ClinVar:

NM_000059.4(BRCA2):c.9913G>A (p.Gly3305Ser)

Gene: BRCA2 (BRCA2 DNA repair associated; plus strand). Cytogenetic location: 13q13.1.
Variant type: single nucleotide variant.
Coding change: c.9913G>A on transcript NM_000059.4 (MANE Select); coding-DNA position 9913, G replaced by A.
Protein change: p.Gly3305Ser; replaces glycine 3305 with serine.
Molecular consequence: missense variant.
Genome position (GRCh38, 1-based): chr13:32,398,426, G>A. VCF-style: chr13-32398426-G-A. GRCh37 (hg19) VCF-style: chr13-32972563-G-A.
Other names: short protein forms G3305S.
Identifiers: ClinVar variation 142971 (VCV000142971.13), dbSNP rs587782859, ClinGen allele CA026329.

ClinVar aggregate classification (germline): Uncertain significance. Review status: criteria provided, multiple submitters, no conflicts (2 of 4 stars). 3 submissions from 3 submitters: Uncertain significance (3). Last evaluated 2025-05-31.

Conditions:
Hereditary cancer-predisposing syndrome. Also called: Hereditary Cancer Syndrome; Neoplastic Syndromes, Hereditary; Hereditary neoplastic syndrome; Tumor predisposition. Identifiers: Orphanet 140162, MedGen C0027672, MeSH D009386, MONDO:0015356.
Hereditary breast ovarian cancer syndrome. Also called: BRCA1- and BRCA2-Associated Hereditary Breast and Ovarian Cancer; Hereditary breast and ovarian cancer syndrome; Hereditary breast and/or ovarian cancer syndrome; Breast and ovarian cancer; Hereditary breast and ovarian cancer; Hereditary breast and ovarian cancer syndrome (HBOC). Identifiers: Orphanet 145, MedGen C0677776, MeSH D061325, MONDO:0003582. Disease mechanism: loss of function.

Submissions (3):

Ambry Genetics
Classification: Uncertain significance for Hereditary cancer-predisposing syndrome. Last evaluated: 2025-05-31. Review status: criteria provided, single submitter. Criteria: Ambry Variant Classification Scheme 2023. Collection method: clinical testing. Allele origin: germline.
Comment: The p.G3305S variant (also known as c.9913G>A), located in coding exon 26 of the BRCA2 gene, results from a G to A substitution at nucleotide position 9913. The glycine at codon 3305 is replaced by serine, an amino acid with similar properties. This amino acid position is not well conserved in available vertebrate species. In addition, this alteration is predicted to be tolerated by in silico analysis. Since supporting evidence is limited at this time, the clinical significance of this alteration remains unclear.

Labcorp Genetics (formerly Invitae), Labcorp
Classification: Uncertain significance for Hereditary breast ovarian cancer syndrome. Last evaluated: 2025-01-05. Review status: criteria provided, single submitter. Criteria: Invitae Variant Classification Sherloc (09022015). Collection method: clinical testing. Allele origin: germline.
Comment: This sequence change replaces glycine, which is neutral and non-polar, with serine, which is neutral and polar, at codon 3305 of the BRCA2 protein (p.Gly3305Ser). This variant is not present in population databases (gnomAD no frequency). This variant has not been reported in the literature in individuals affected with BRCA2-related conditions. ClinVar contains an entry for this variant (Variation ID: 142971). Invitae Evidence Modeling of protein sequence and biophysical properties (such as structural, functional, and spatial information, amino acid conservation, physicochemical variation, residue mobility, and thermodynamic stability) indicates that this missense variant is not expected to disrupt BRCA2 protein function with a negative predictive value of 95%. In summary, the available evidence is currently insufficient to determine the role of this variant in disease. Therefore, it has been classified as a Variant of Uncertain Significance.

Women's Health and Genetics/Laboratory Corporation of America, LabCorp
Classification: Uncertain significance. Last evaluated: 2023-07-12. Review status: criteria provided, single submitter. Criteria: LabCorp Variant Classification Summary - May 2015. Collection method: clinical testing. Allele origin: germline.